The following is an entry in ClinVar:

NM_000492.4(CFTR):c.3319T>C (p.Phe1107Leu)

Genes: CFTR (CF transmembrane conductance regulator; plus strand), CFTR-AS2 (CFTR antisense RNA 2; minus strand), LOC111674472 (DNase I hypersensitive sites in introns 16 and 17a of CFTR; plus strand). Cytogenetic location: 7q31.2.
Variant type: single nucleotide variant.
Coding change: c.3319T>C on transcript NM_000492.4 (MANE Select); coding-DNA position 3319, T replaced by C.
Protein change: p.Phe1107Leu; replaces phenylalanine 1107 with leucine.
Molecular consequence: missense variant.
Genome position (GRCh38, 1-based): chr7:117,611,760, T>C. VCF-style: chr7-117611760-T-C. GRCh37 (hg19) VCF-style: chr7-117251814-T-C.
Other names: short protein forms F1107L.
Identifiers: ClinVar variation 801154 (VCV000801154.16), dbSNP rs1584822486, ClinGen allele CA368992523.
Genomic context (GRCh38, chr7:117,611,760, plus strand): 5'-GCCAACTGGTTCTTGTACCTGTCAACACTGCGCTGGTTCCAAATGAGAATAGAAATGATT[T>C]TTGTCATCTTCTTCATTGCTGTTACCTTCATTTCCATTTTAACAACAGGTACTATGAACT-3'
Protein context (NP_000483.3, residues 1097-1117): RWFQMRIEMI[Phe1107Leu]VIFFIAVTFI

ClinVar aggregate classification (germline): Conflicting classifications of pathogenicity. Review status: criteria provided, conflicting classifications (1 of 4 stars). 5 submissions from 5 submitters: Likely pathogenic (1); Uncertain significance (3). 1 of the submissions does not count toward it. Last evaluated 2024-05-21.

Conditions:
CFTR-related disorder (CFTR-RD). Also called: CFTR-related condition; CFTR-related disorders. Identifiers: MedGen C5924204, MONDO:7770004.
Cystic fibrosis (CF). Also called: MUCOVISCIDOSIS. Identifiers: Orphanet 586, MedGen C0010674, MONDO:0009061, OMIM 219700. Disease mechanism: loss of function.
Congenital bilateral aplasia of vas deferens from CFTR mutation (CBAVD). Identifiers: Orphanet 48, MedGen C0403814, MONDO:0010178, OMIM 277180. Disease mechanism: loss of function.

Submissions (5):

Women's Health and Genetics/Laboratory Corporation of America, LabCorp
Classification: Uncertain significance. Last evaluated: 2024-05-21. Review status: criteria provided, single submitter. Criteria: LabCorp Variant Classification Summary - May 2015. Collection method: clinical testing. Allele origin: germline.
Comment: Variant summary: CFTR c.3319T>C (p.Phe1107Leu) results in a non-conservative amino acid change located in the ABC transporter type 1, transmembrane domain (IPR011527) of the encoded protein sequence. Four of five in-silico tools predict a damaging effect of the variant on protein function. The variant was absent in 250986 control chromosomes. The available data on variant occurrences in the general population are insufficient to allow any conclusion about variant significance. c.3319T>C has been reported in the literature in three individuals affected with Cystic Fibrosis, however in two of such cases, additional variants in CFTR have been reported and the phase relationship with the current variant was unclear (Prach_2013, Raraigh_2021, Salinas_2016). These data do not allow any conclusion about variant significance. To our knowledge, no experimental evidence demonstrating an impact on protein function has been reported. The following publications have been ascertained in the context of this evaluation (PMID: 23810505, 34782259, 27214204). ClinVar contains an entry for this variant (Variation ID: 801154). Based on the evidence outlined above, the variant was classified as uncertain significance.

Labcorp Genetics (formerly Invitae), Labcorp
Classification: Uncertain significance for Cystic fibrosis. Last evaluated: 2019-01-26. Review status: criteria provided, single submitter. Criteria: Invitae Variant Classification Sherloc (09022015). Collection method: clinical testing. Allele origin: germline.
Comment: Algorithms developed to predict the effect of missense changes on protein structure and function are either unavailable or do not agree on the potential impact of this missense change (SIFT: "Tolerated"; PolyPhen-2: "Possibly Damaging"; Align-GVGD: "Class C0"). This variant has been observed in an individual affected with clinical features of cystic fibrosis (PMID: 23810505). This variant is not present in population databases (ExAC no frequency). This sequence change replaces phenylalanine with leucine at codon 1107 of the CFTR protein (p.Phe1107Leu). The phenylalanine residue is moderately conserved and there is a small physicochemical difference between phenylalanine and leucine. In summary, the available evidence is currently insufficient to determine the role of this variant in disease. Therefore, it has been classified as a Variant of Uncertain Significance.

Quest Diagnostics Nichols Institute San Juan Capistrano
Classification: Uncertain significance. Last evaluated: 2018-10-03. Review status: criteria provided, single submitter. Criteria: Quest Diagnostics criteria. Collection method: clinical testing. Allele origin: germline.

Baylor Genetics
Classification: Likely pathogenic for Congenital bilateral aplasia of vas deferens from CFTR mutation; Cystic fibrosis. Review status: criteria provided, single submitter. Criteria: ACMG Guidelines, 2015. Collection method: clinical testing. Allele origin: germline.

Natera, Inc.
Classification: Uncertain significance for CFTR-related disorders. Last evaluated: 2021-05-20. Review status: no assertion criteria provided. Collection method: clinical testing. Allele origin: germline. Not counted in ClinVar's aggregate classification.

Literature cited by the submitters: PubMed 23810505 (cited by 3 submitters); PubMed 27214204 (cited by Women's Health and Genetics/Laboratory Corporation of America, LabCorp and Quest Diagnostics Nichols Institute San Juan Capistrano); PubMed 34782259 (cited by Women's Health and Genetics/Laboratory Corporation of America, LabCorp).